The following is an entry in ClinVar:

ClinVar aggregate classification (germline): Uncertain significance. Review status: criteria provided, single submitter (1 of 4 stars). 2 submissions from 2 submitters: Uncertain significance (1). 1 of the submissions does not count toward it. Last evaluated 2026-10-01.

Conditions:
Ataxia-telangiectasia syndrome (AT). Also called: LOUIS-BAR SYNDROME; Cerebello-oculocutaneous telangiectasia; Immunodeficiency with ataxia telangiectasia; Ataxia telangiectasia (A-T); Ataxia-telangiectasia, complementation group D; AT, COMPLEMENTATION GROUP C. Identifiers: Orphanet 100, MedGen C0004135, MONDO:0008840, OMIM 208900.

Submissions (2):

St. Jude Molecular Pathology, St. Jude Children's Research Hospital
Classification: Uncertain significance for Ataxia-telangiectasia syndrome. Last evaluated: 2026-10-01. Review status: criteria provided, single submitter. Criteria: St. Jude Assertion Criteria 2020. Collection method: clinical testing. Allele origin: germline.
Comment: The ATM c.5675-6T>G intronic change results in a T to G substitution at the -6 position of intron 3 7 of the ATM gene. Algorithms that predict the impact of sequence changes on splicing indicate that this change may impact splicing. Internal RNA evidence supports that this variant results in aberrant splicing. This variant has been reported in an indiv idual with breast cancer (PMID: 32658311). This variant is absent in gnomAD v2.1.1. In summary, the evidence currently available is insufficient to determine the clinical significance of this variant. It has therefore been classified as of uncertain significance.

Natera, Inc.
Classification: Uncertain significance for Ataxia-telangiectasia. Last evaluated: 2025-03-06. Review status: no assertion criteria provided. Collection method: clinical testing. Allele origin: germline. Not counted in ClinVar's aggregate classification.

NM_000051.4(ATM):c.5675-6T>G

Gene: ATM (ATM serine/threonine kinase; plus strand). Cytogenetic location: 11q22.3.
Variant type: single nucleotide variant.
Coding change: c.5675-6T>G on transcript NM_000051.4 (MANE Select); 6 bases into the intron before coding-DNA position 5675, T replaced by G.
Molecular consequence: intron variant.
Genome position (GRCh38, 1-based): chr11:108,307,891, T>G. VCF-style: chr11-108307891-T-G. GRCh37 (hg19) VCF-style: chr11-108178618-T-G.
Other names: c.5675-6T>G (NM_001351834.2).
Identifiers: ClinVar variation 4063388 (VCV004063388.2).